The following is an entry in ClinVar:

NM_153026.3(PRICKLE1):c.1497A>G (p.Glu499=)

Gene: PRICKLE1 (prickle planar cell polarity protein 1; minus strand). Cytogenetic location: 12q12.
Variant type: single nucleotide variant.
Coding change: c.1497A>G on transcript NM_153026.3 (MANE Select); coding-DNA position 1497, A replaced by G.
Protein change: p.Glu499=; no amino-acid change (glutamic acid 499 retained).
Molecular consequence: synonymous variant.
Genome position (GRCh38, 1-based): chr12:42,464,537, T>C on the plus strand (A>G on the coding strand, the complement: PRICKLE1 is on the minus strand). VCF-style: chr12-42464537-T-C. GRCh37 (hg19) VCF-style: chr12-42858339-T-C.
Other names: c.1497A>G, p.Glu499= (NM_001144881.2, NM_001144882.2, NM_001144883.2).
Identifiers: ClinVar variation 510838 (VCV000510838.4), dbSNP rs774825872, ClinGen allele CA6519746.

ClinVar aggregate classification (germline): Likely benign. Review status: criteria provided, multiple submitters, no conflicts (2 of 4 stars). 2 submissions from 2 submitters: Likely benign (2). Last evaluated 2023-10-17.

Conditions:
Epilepsy, progressive myoclonic, 1B. Also called: PME. Identifiers: Orphanet 308, MedGen C2676254, MONDO:0012904, OMIM 612437.

Allele frequency attached by ClinVar (database versions not stated): gnomAD exomes below 0.00001 and 0.00001; gnomAD 0.00001; ExAC 0.00002.
gnomAD v4.1: 8 of 1,613,884 alleles (0.0005%); highest among the groups gnomAD compares: South Asian, 0.0044%; no homozygotes.

Submissions (2):

Labcorp Genetics (formerly Invitae), Labcorp
Classification: Likely benign for Epilepsy, progressive myoclonic, 1B. Last evaluated: 2023-10-17. Review status: criteria provided, single submitter. Criteria: Invitae Variant Classification Sherloc (09022015). Collection method: clinical testing. Allele origin: germline.

GeneDx
Classification: Likely benign. Last evaluated: 2017-07-12. Review status: criteria provided, single submitter. Criteria: GeneDx Variant Classification (06012015). Collection method: clinical testing. Allele origin: germline. Affected: yes.
Comment: This variant is considered likely benign or benign based on one or more of the following criteria: it is a conservative change, it occurs at a poorly conserved position in the protein, it is predicted to be benign by multiple in silico algorithms, and/or has population frequency not consistent with disease.